The following is an entry in ClinVar:

ClinVar aggregate classification (germline): Uncertain significance (1 of 4 stars; one submission).

Submission:

CeGaT Center for Human Genetics Tuebingen
Classification: Uncertain significance. Last evaluated: 2023-09-01. Review status: criteria provided, single submitter. Criteria: CeGaT Center For Human Genetics Tuebingen Variant Classification Criteria Version 2. Collection method: clinical testing. Allele origin: germline. Affected: yes. Observed: 1 variant allele.
Comment: NUCLEOLIN: PM2, BP4

NM_005381.3(NUCLEOLIN):c.1572-3C>T

Gene: NUCLEOLIN (nucleolin multifunctional protein; minus strand). Cytogenetic location: 2q37.1.
Variant type: single nucleotide variant.
Coding change: c.1572-3C>T on transcript NM_005381.3 (MANE Select); 3 bases into the intron before coding-DNA position 1572, C replaced by T.
Molecular consequence: intron variant.
Genome position (GRCh38, 1-based): chr2:231,456,767, G>A on the plus strand (C>T on the coding strand, the complement: NUCLEOLIN is on the minus strand). VCF-style: chr2-231456767-G-A. GRCh37 (hg19) VCF-style: chr2-232321478-G-A.
Identifiers: ClinVar variation 2651998 (VCV002651998.24), dbSNP rs878889698, ClinGen allele CA2695197698.